The following is an entry in ClinVar:

ClinVar aggregate classification (germline): Uncertain significance (1 of 4 stars; one submission).

Allele frequency attached by ClinVar (database versions not stated): TOPMed below 0.00001.

Submission:

Labcorp Genetics (formerly Invitae), Labcorp
Classification: Uncertain significance. Last evaluated: 2021-05-20. Review status: criteria provided, single submitter. Criteria: Invitae Variant Classification Sherloc (09022015). Collection method: clinical testing. Allele origin: germline.
Comment: In summary, the available evidence is currently insufficient to determine the role of this variant in disease. Therefore, it has been classified as a Variant of Uncertain Significance. Algorithms developed to predict the effect of missense changes on protein structure and function are either unavailable or do not agree on the potential impact of this missense change (SIFT: "Tolerated"; PolyPhen-2: "Not Available"; Align-GVGD: "Class C0"). This variant has not been reported in the literature in individuals with TOPORS-related conditions. This variant is not present in population databases (ExAC no frequency). This sequence change replaces proline with arginine at codon 931 of the TOPORS protein (p.Pro931Arg). The proline residue is weakly conserved and there is a moderate physicochemical difference between proline and arginine.

NM_005802.5(TOPORS):c.2792C>G (p.Pro931Arg)

Gene: TOPORS (TOP1 binding arginine/serine rich protein, E3 ubiquitin ligase; minus strand). Cytogenetic location: 9p21.1.
Variant type: single nucleotide variant.
Coding change: c.2792C>G on transcript NM_005802.5 (MANE Select); coding-DNA position 2792, C replaced by G.
Protein change: p.Pro931Arg; replaces proline 931 with arginine.
Molecular consequence: missense variant.
Genome position (GRCh38, 1-based): chr9:32,541,733, G>C on the plus strand (C>G on the coding strand, the complement: TOPORS is on the minus strand). VCF-style: chr9-32541733-G-C. GRCh37 (hg19) VCF-style: chr9-32541731-G-C.
Other names: c.2597C>G, p.Pro866Arg (NM_001195622.2); short protein forms P866R, P931R.
Identifiers: ClinVar variation 1397308 (VCV001397308.8), dbSNP rs1821062648, ClinGen allele CA373160964.